The following is an entry in ClinVar:

NM_058246.4(DNAJB6):c.382G>A (p.Gly128Ser)

Gene: DNAJB6 (DnaJ heat shock protein family (Hsp40) member B6; plus strand). Cytogenetic location: 7q36.3.
Variant type: single nucleotide variant.
Coding change: c.382G>A on transcript NM_058246.4 (MANE Select); coding-DNA position 382, G replaced by A.
Protein change: p.Gly128Ser; replaces glycine 128 with serine.
Molecular consequence: missense variant. On other transcripts: intron variant (1).
Genome position (GRCh38, 1-based): chr7:157,382,281, G>A. VCF-style: chr7-157382281-G-A. GRCh37 (hg19) VCF-style: chr7-157174975-G-A.
Other names: c.382G>A, p.Gly128Ser (NM_005494.3); c.346+14798G>A (NM_001363676.1); short protein forms G128S.
Identifiers: ClinVar variation 2880242 (VCV002880242.3), dbSNP rs1800823691, ClinGen allele CA370166365.

ClinVar aggregate classification (germline): Uncertain significance (1 of 4 stars; one submission).

Conditions:
Autosomal dominant limb-girdle muscular dystrophy type 1D (DNAJB6) (LGMDD1). Also called: MUSCULAR DYSTROPHY, LIMB-GIRDLE, TYPE 1D; Autosomal dominant limb-girdle muscular dystrophy type 1D; Muscular dystrophy, limb-girdle, autosomal dominant 1; MUSCULAR DYSTROPHY, AUTOSOMAL DOMINANT, WITH RIMMED VACUOLES. Identifiers: Orphanet 34516, MedGen C4721885, MONDO:0021018, OMIM 603511.

Allele frequency attached by ClinVar (database versions not stated): TOPMed below 0.00001.

Submission:

Labcorp Genetics (formerly Invitae), Labcorp
Classification: Uncertain significance for Autosomal dominant limb-girdle muscular dystrophy type 1D (DNAJB6). Last evaluated: 2025-04-25. Review status: criteria provided, single submitter. Criteria: Invitae Variant Classification Sherloc (09022015). Collection method: clinical testing. Allele origin: germline.
Comment: This sequence change replaces glycine, which is neutral and non-polar, with serine, which is neutral and polar, at codon 128 of the DNAJB6 protein (p.Gly128Ser). This variant is not present in population databases (gnomAD no frequency). This variant has not been reported in the literature in individuals affected with DNAJB6-related conditions. ClinVar contains an entry for this variant (Variation ID: 2880242). Invitae Evidence Modeling of protein sequence and biophysical properties (such as structural, functional, and spatial information, amino acid conservation, physicochemical variation, residue mobility, and thermodynamic stability) indicates that this missense variant is not expected to disrupt DNAJB6 protein function with a negative predictive value of 80%. In summary, the available evidence is currently insufficient to determine the role of this variant in disease. Therefore, it has been classified as a Variant of Uncertain Significance.